The following is an entry in ClinVar:

NM_006348.5(COG5):c.95-101G>A

Gene: COG5 (component of oligomeric golgi complex 5; minus strand). Cytogenetic location: 7q22.3.
Variant type: single nucleotide variant.
Coding change: c.95-101G>A on transcript NM_006348.5 (MANE Select); 101 bases into the intron before coding-DNA position 95, G replaced by A.
Molecular consequence: intron variant.
Genome position (GRCh38, 1-based): chr7:107,558,216, C>T on the plus strand (G>A on the coding strand, the complement: COG5 is on the minus strand). VCF-style: chr7-107558216-C-T. GRCh37 (hg19) VCF-style: chr7-107198661-C-T.
Other names: c.95-101G>A (NM_001379516.1, NM_001379515.1, NM_001379511.1 and 5 more transcripts).
Identifiers: ClinVar variation 1691190 (VCV001691190.2), dbSNP rs115087636, ClinGen allele CA164169709.

ClinVar aggregate classification (germline): Likely benign (1 of 4 stars; one submission).

Allele frequency attached by ClinVar (database versions not stated): gnomAD exomes 0.00051; gnomAD 0.00559 and 0.00593; TOPMed 0.00622; 1000 Genomes Project 0.00819; 1000 Genomes Project 30x 0.00843.
gnomAD v4.1: 1,419 of 1,252,000 alleles (0.11%); highest among the groups gnomAD compares: African/African-American, 1.9%; 17 homozygotes.

Submission:

GeneDx
Classification: Likely benign. Last evaluated: 2021-12-01. Review status: criteria provided, single submitter. Criteria: GeneDx Variant Classification Process June 2021. Collection method: clinical testing. Allele origin: germline. Affected: yes.
Comment: See Variant Classification Assertion Criteria.